The following is an entry in ClinVar:

NM_000051.4(ATM):c.6453-17T>G

Genes: ATM (ATM serine/threonine kinase; plus strand), C11orf65 (chromosome 11 open reading frame 65; minus strand). Cytogenetic location: 11q22.3.
Variant type: single nucleotide variant.
Coding change: c.6453-17T>G on transcript NM_000051.4 (MANE Select); 17 bases into the intron before coding-DNA position 6453, T replaced by G.
Molecular consequence: intron variant.
Genome position (GRCh38, 1-based): chr11:108,321,284, T>G. VCF-style: chr11-108321284-T-G. GRCh37 (hg19) VCF-style: chr11-108192011-T-G.
Other names: c.6453-17T>G (NM_001351834.2); c.641-12213A>C (NM_001330368.2); c.*39-12213A>C (NM_001351110.2).
Identifiers: ClinVar variation 385528 (VCV000385528.11), dbSNP rs1057522251, ClinGen allele CA16606844.

ClinVar aggregate classification (germline): Likely benign. Review status: criteria provided, multiple submitters, no conflicts (2 of 4 stars). 3 submissions from 3 submitters: Likely benign (3). Last evaluated 2026-01-20.

Conditions:
Hereditary cancer-predisposing syndrome. Also called: Neoplastic Syndromes, Hereditary; Hereditary Cancer Syndrome; Tumor predisposition; Hereditary neoplastic syndrome. Identifiers: Orphanet 140162, MedGen C0027672, MeSH D009386, MONDO:0015356.
Ataxia-telangiectasia syndrome (AT). Also called: LOUIS-BAR SYNDROME; Cerebello-oculocutaneous telangiectasia; Immunodeficiency with ataxia telangiectasia; Ataxia-telangiectasia, complementation group D; AT, COMPLEMENTATION GROUP C; Ataxia-telangiectasia, complementation group E. Identifiers: Orphanet 100, MedGen C0004135, MONDO:0008840, OMIM 208900.

Allele frequency attached by ClinVar (database versions not stated): gnomAD 0.00001; gnomAD exomes 0.00001 and below 0.00001; TOPMed 0.00002.
gnomAD v4.1: 9 of 1,613,906 alleles (0.00056%); highest among the groups gnomAD compares: Admixed American, 0.0083%; no homozygotes.

Submissions (3):

Labcorp Genetics (formerly Invitae), Labcorp
Classification: Likely benign for Ataxia-telangiectasia syndrome. Last evaluated: 2026-01-20. Review status: criteria provided, single submitter. Criteria: Invitae Variant Classification Sherloc (09022015). Collection method: clinical testing. Allele origin: germline.

Color Diagnostics, LLC DBA Color Health
Classification: Likely benign for Hereditary cancer-predisposing syndrome. Last evaluated: 2018-01-06. Review status: criteria provided, single submitter. Criteria: ACMG Guidelines, 2015. Collection method: clinical testing. Allele origin: germline.

GeneDx
Classification: Likely benign. Last evaluated: 2016-04-12. Review status: criteria provided, single submitter. Criteria: GeneDx Variant Classification (06012015). Collection method: clinical testing. Allele origin: germline. Affected: yes.
Comment: This variant is considered likely benign or benign based on one or more of the following criteria: it is a conservative change, it occurs at a poorly conserved position in the protein, it is predicted to be benign by multiple in silico algorithms, and/or has population frequency not consistent with disease.